The following is an entry in ClinVar:

ClinVar aggregate classification (germline): Likely benign. Review status: criteria provided, multiple submitters, no conflicts (2 of 4 stars). 2 submissions from 2 submitters: Likely benign (2). Last evaluated 2026-01-01.

Allele frequency attached by ClinVar (database versions not stated): ExAC 0.00002.
gnomAD v4.1: 16 of 1,613,612 alleles (0.00099%); highest among the groups gnomAD compares: East Asian, 0.0045%; no homozygotes.

Submissions (2):

Labcorp Genetics (formerly Invitae), Labcorp
Classification: Likely benign. Last evaluated: 2026-01-01. Review status: criteria provided, single submitter. Criteria: Invitae Variant Classification Sherloc (09022015). Collection method: clinical testing. Allele origin: germline.

CeGaT Center for Human Genetics Tuebingen
Classification: Likely benign. Last evaluated: 2025-01-01. Review status: criteria provided, single submitter. Criteria: CeGaT Center For Human Genetics Tuebingen Variant Classification Criteria Version 2. Collection method: clinical testing. Allele origin: germline. Affected: yes. Observed: 1 variant allele.
Comment: ARID1B: BP4, BP7

NM_001374828.1(ARID1B):c.4830G>A (p.Ala1610=)

Gene: ARID1B (AT-rich interaction domain 1B; plus strand). Cytogenetic location: 6q25.3.
Variant type: single nucleotide variant.
Coding change: c.4830G>A on transcript NM_001374828.1 (MANE Select); coding-DNA position 4830, G replaced by A.
Protein change: p.Ala1610=; no amino-acid change (alanine 1610 retained).
Molecular consequence: synonymous variant.
Genome position (GRCh38, 1-based): chr6:157,201,055, G>A. VCF-style: chr6-157201055-G-A. GRCh37 (hg19) VCF-style: chr6-157522189-G-A.
Other names: c.4581G>A, p.Ala1527= (NM_001346813.1); c.2331G>A, p.Ala777= (NM_001363725.2); c.4710G>A, p.Ala1570= (NM_001371656.1, NM_001374820.1); c.4671G>A, p.Ala1557= (NM_017519.3); c.4461G>A, p.Ala1487= (NM_020732.3); c.4248G>A, p.Ala1416= (NM_175863.2).
Identifiers: ClinVar variation 2199336 (VCV002199336.17), dbSNP rs759759957, ClinGen allele CA4067718.